The following is an entry in ClinVar:

ClinVar aggregate classification (germline): Benign/Likely benign. Review status: criteria provided, multiple submitters, no conflicts (2 of 4 stars). 2 submissions from 2 submitters: Benign (1); Likely benign (1). Last evaluated 2026-06-29.

Conditions:
Sessile serrated polyposis cancer syndrome (SSPCS). Identifiers: Orphanet 157798, MedGen C4310714, MONDO:0014919, OMIM 617108.

Submissions (2):

Myriad Genetics, Inc.
Classification: Benign for Sessile serrated polyposis cancer syndrome. Last evaluated: 2026-06-29. Review status: criteria provided, single submitter. Criteria: Myriad Autosomal Dominant, Autosomal Recessive and X-Linked Classification Criteria (2023). Collection method: clinical testing. Allele origin: unknown.
Comment: This variant is considered benign. This variant is a silent/synonymous amino acid change and it is not expected to impact splicing.

Ambry Genetics
Classification: Likely benign. Last evaluated: 2025-07-13. Review status: criteria provided, single submitter. Criteria: Ambry Variant Classification Scheme 2023. Collection method: clinical testing. Allele origin: germline.

NM_017763.6(RNF43):c.262C>T (p.Leu88=)

Gene: RNF43 (ring finger protein 43; minus strand). Cytogenetic location: 17q22.
Variant type: single nucleotide variant.
Coding change: c.262C>T on transcript NM_017763.6 (MANE Select); coding-DNA position 262, C replaced by T.
Protein change: p.Leu88=; no amino-acid change (leucine 88 retained).
Molecular consequence: synonymous variant. On other transcripts: 5 prime UTR variant (2).
Genome position (GRCh38, 1-based): chr17:58,371,024, G>A on the plus strand (C>T on the coding strand, the complement: RNF43 is on the minus strand). VCF-style: chr17-58371024-G-A. GRCh37 (hg19) VCF-style: chr17-56448385-G-A.
Other names: c.262C>T, p.Leu88= (NM_001438822.1, NM_001438820.1, NM_001438821.1 and 1 more transcripts); c.-120C>T (NM_001305545.2, NM_001437987.1).
Identifiers: ClinVar variation 4155747 (VCV004155747.2).